The following is an entry in ClinVar:

ClinVar aggregate classification (germline): Conflicting classifications of pathogenicity. Review status: criteria provided, conflicting classifications (1 of 4 stars). 3 submissions from 3 submitters: Uncertain significance (2); Likely benign (1). Last evaluated 2026-04-14.

Conditions:
Familial intrahepatic cholestasis. Identifiers: Orphanet 284385, MedGen CN296401, MONDO:0017290.
ABCB11-related disorder. Also called: ABCB11-related condition.

Allele frequency attached by ClinVar (database versions not stated): gnomAD 0.00002 and 0.00003; ExAC 0.00008; TOPMed 0.00008; gnomAD exomes 0.00010.
gnomAD v4.1: 40 of 1,613,678 alleles (0.0025%); highest among the groups gnomAD compares: Admixed American, 0.032%; 1 homozygote.

Submissions (3):

Genomenon, Inc
Classification: Uncertain significance for Familial intrahepatic cholestasis. Last evaluated: 2026-04-14. Review status: criteria provided, single submitter. Criteria: Genomenon Sequence Variant Interpretation Standards - Updated. Collection method: curation. Allele origin: germline. Affected: no.
Comment: ABCB11 p.Val95Ile (c.283G>A) is a missense variant that changes the amino acid at residue 95 from Valine to Isoleucine. This variant has been reported in the published literature (PMID:37208429). It is absent or not present at a significant frequency in gnomAD. In silico models predict that this variant is not damaging. In conclusion, we classify ABCB11 p.Val95Ile (c.283G>A) as a variant of uncertain significance.

PreventionGenetics, part of Exact Sciences
Classification: Uncertain significance for ABCB11-related condition. Last evaluated: 2026-04-08. Review status: criteria provided, single submitter. Criteria: ACMG Guidelines, 2015. Collection method: clinical testing. Allele origin: germline.
Comment: The ABCB11 c.283G>A variant is predicted to result in the amino acid substitution p.Val95Ile. This variant has been reported in an individual with gallstone disease (Zollner et al. 2023. PubMed ID: 37208429). This variant is reported in 0.049% of alleles in individuals of Latino descent in gnomAD. At this time, the clinical significance of this variant is uncertain due to the absence of conclusive functional and genetic evidence.

Labcorp Genetics (formerly Invitae), Labcorp
Classification: Likely benign. Last evaluated: 2026-01-19. Review status: criteria provided, single submitter. Criteria: Invitae Variant Classification Sherloc (09022015). Collection method: clinical testing. Allele origin: germline.

Literature cited by the submitters: PubMed 37208429 (cited by Genomenon, Inc).

NM_003742.4(ABCB11):c.283G>A (p.Val95Ile)

Gene: ABCB11 (ATP binding cassette subfamily B member 11; minus strand). Cytogenetic location: 2q31.1.
Variant type: single nucleotide variant.
Coding change: c.283G>A on transcript NM_003742.4 (MANE Select); coding-DNA position 283, G replaced by A.
Protein change: p.Val95Ile; replaces valine 95 with isoleucine.
Molecular consequence: missense variant.
Genome position (GRCh38, 1-based): chr2:169,013,378, C>T on the plus strand (G>A on the coding strand, the complement: ABCB11 is on the minus strand). VCF-style: chr2-169013378-C-T. GRCh37 (hg19) VCF-style: chr2-169869888-C-T.
Other names: c.283G>A (NM_003742.2); short protein forms V95I.
Identifiers: ClinVar variation 1106992 (VCV001106992.10), dbSNP rs201735739, ClinGen allele CA1951927.